The following is an entry in ClinVar:

ClinVar aggregate classification (germline): Likely pathogenic (1 of 4 stars; one submission).

Conditions:
Bardet-Biedl syndrome (BBS). Identifiers: Orphanet 110, MedGen C0752166, MONDO:0015229.

Allele frequency attached by ClinVar (database versions not stated): gnomAD exomes below 0.00001; gnomAD 0.00001.
gnomAD v4.1: 1 of 1,612,322 alleles (0.000062%); highest among the groups gnomAD compares: Non-Finnish European, 0.000085%; no homozygotes.

Submission:

Labcorp Genetics (formerly Invitae), Labcorp
Classification: Likely pathogenic for Bardet-Biedl syndrome. Last evaluated: 2025-12-09. Review status: criteria provided, single submitter. Criteria: Invitae Variant Classification Sherloc (09022015). Collection method: clinical testing. Allele origin: germline.
Comment: This sequence change affects a donor splice site in intron 1 of the BBS2 gene. It is expected to disrupt RNA splicing. Variants that disrupt the donor or acceptor splice site typically lead to a loss of protein function (PMID: 16199547), and loss-of-function variants in BBS2 are known to be pathogenic (PMID: 11285252, 20177705, 24608809, 26518167). This variant is not present in population databases (gnomAD no frequency). This variant has not been reported in the literature in individuals affected with BBS2-related conditions. ClinVar contains an entry for this variant (Variation ID: 1473974). Algorithms developed to predict the effect of sequence changes on RNA splicing suggest that this variant may disrupt the consensus splice site. In summary, the currently available evidence indicates that the variant is pathogenic, but additional data are needed to prove that conclusively. Therefore, this variant has been classified as Likely Pathogenic.

Literature cited by the submitters: PubMed 16199547; PubMed 11285252; PubMed 20177705; PubMed 24608809; PubMed 26518167.

NM_031885.5(BBS2):c.117+1G>A

Gene: BBS2 (Bardet-Biedl syndrome 2; minus strand). Cytogenetic location: 16q13.
Variant type: single nucleotide variant.
Coding change: c.117+1G>A on transcript NM_031885.5 (MANE Select); the canonical splice donor site of the intron after coding-DNA position 117, G replaced by A.
Molecular consequence: splice donor variant.
Genome position (GRCh38, 1-based): chr16:56,519,745, C>T on the plus strand (G>A on the coding strand, the complement: BBS2 is on the minus strand). VCF-style: chr16-56519745-C-T. GRCh37 (hg19) VCF-style: chr16-56553657-C-T.
Other names: c.117+1G>A (NM_001377456.1).
Identifiers: ClinVar variation 1473974 (VCV001473974.6), dbSNP rs1964866367, ClinGen allele CA395987915.